The following is an entry in ClinVar:

NM_001242896.3(DEPDC5):c.3329A>G (p.Gln1110Arg)

Gene: DEPDC5 (DEP domain containing 5, GATOR1 subcomplex subunit; plus strand). Cytogenetic location: 22q12.3.
Variant type: single nucleotide variant.
Coding change: c.3329A>G on transcript NM_001242896.3 (MANE Select); coding-DNA position 3329, A replaced by G.
Protein change: p.Gln1110Arg; replaces glutamine 1110 with arginine.
Molecular consequence: missense variant. On other transcripts: non-coding transcript variant (2), intron variant (5).
Genome position (GRCh38, 1-based): chr22:31,861,432, A>G. VCF-style: chr22-31861432-A-G. GRCh37 (hg19) VCF-style: chr22-32257418-A-G.
Other names: c.3302A>G, p.Gln1101Arg (NM_001136029.4); c.3095A>G, p.Gln1032Arg (NM_001363854.2, NM_001364319.2); c.3329A>G, p.Gln1110Arg (NM_001364318.2); c.3245A>G, p.Gln1082Arg (NM_001369901.1, NM_001369902.1); c.3237+3879A>G (NM_014662.6, NM_001369903.1); c.3264+3879A>G (NM_001363852.2, NM_001364320.2); c.3030+3879A>G (NM_001242897.2); short protein forms Q1110R, Q1082R, Q1032R, Q1101R.
Identifiers: ClinVar variation 452702 (VCV000452702.12), dbSNP rs1555909576, ClinGen allele CA411294762.

ClinVar aggregate classification (germline): Uncertain significance. Review status: criteria provided, multiple submitters, no conflicts (2 of 4 stars). 3 submissions from 3 submitters: Uncertain significance (3). Last evaluated 2025-04-02.

Conditions:
Inborn genetic diseases. Identifiers: MedGen C0950123, MeSH D030342.
Familial focal epilepsy with variable foci (FPEVF). Identifiers: Orphanet 98820, MedGen C1858477, MONDO:0020310.

Allele frequency attached by ClinVar (database versions not stated): TOPMed below 0.00001; gnomAD exomes 0.00001.
gnomAD v4.1: 8 of 1,551,294 alleles (0.00052%); highest among the groups gnomAD compares: East Asian, 0.0024%; no homozygotes.

Submissions (3):

Ambry Genetics
Classification: Uncertain significance for Inborn genetic diseases. Last evaluated: 2025-04-02. Review status: criteria provided, single submitter. Criteria: Ambry Variant Classification Scheme 2023. Collection method: clinical testing. Allele origin: germline.

GeneDx
Classification: Uncertain significance. Last evaluated: 2025-01-27. Review status: criteria provided, single submitter. Criteria: GeneDx Variant Classification Process June 2021. Collection method: clinical testing. Allele origin: germline. Affected: yes.
Comment: Not observed at significant frequency in large population cohorts (gnomAD); In silico analysis indicates that this missense variant does not alter protein structure/function; Has not been previously published as pathogenic or benign to our knowledge; In silico analysis is inconclusive as to whether the variant alters gene splicing. In the absence of RNA/functional studies, the actual effect of this sequence change is unknown.

Labcorp Genetics (formerly Invitae), Labcorp
Classification: Uncertain significance for Familial focal epilepsy with variable foci. Last evaluated: 2024-12-10. Review status: criteria provided, single submitter. Criteria: Invitae Variant Classification Sherloc (09022015). Collection method: clinical testing. Allele origin: germline.
Comment: This sequence change replaces glutamine, which is neutral and polar, with arginine, which is basic and polar, at codon 1110 of the DEPDC5 protein (p.Gln1110Arg). This variant is not present in population databases (gnomAD no frequency). This variant has not been reported in the literature in individuals affected with DEPDC5-related conditions. ClinVar contains an entry for this variant (Variation ID: 452702). Experimental studies and prediction algorithms are not available or were not evaluated, and the functional significance of this variant is currently unknown. Algorithms developed to predict the effect of sequence changes on RNA splicing suggest that this variant may disrupt the consensus splice site. In summary, the available evidence is currently insufficient to determine the role of this variant in disease. Therefore, it has been classified as a Variant of Uncertain Significance.